The following is an entry in ClinVar:

ClinVar aggregate classification (germline): Uncertain significance (1 of 4 stars; one submission).

Allele frequency attached by ClinVar (database versions not stated): gnomAD exomes 0.00001.
gnomAD v4.1: 2 of 1,600,902 alleles (0.00012%); highest among the groups gnomAD compares: Admixed American, 0.0017%; no homozygotes.

Submission:

Labcorp Genetics (formerly Invitae), Labcorp
Classification: Uncertain significance. Last evaluated: 2022-07-19. Review status: criteria provided, single submitter. Criteria: Invitae Variant Classification Sherloc (09022015). Collection method: clinical testing. Allele origin: germline.
Comment: Algorithms developed to predict the effect of sequence changes on RNA splicing suggest that this variant may disrupt the consensus splice site. In summary, the available evidence is currently insufficient to determine the role of this variant in disease. Therefore, it has been classified as a Variant of Uncertain Significance. Algorithms developed to predict the effect of missense changes on protein structure and function are either unavailable or do not agree on the potential impact of this missense change (SIFT: "Deleterious"; PolyPhen-2: "Benign"; Align-GVGD: "Class C0"). ClinVar contains an entry for this variant (Variation ID: 1506723). This variant has not been reported in the literature in individuals affected with SLC12A6-related conditions. This variant is present in population databases (no rsID available, gnomAD 0.003%). This sequence change replaces valine, which is neutral and non-polar, with phenylalanine, which is neutral and non-polar, at codon 293 of the SLC12A6 protein (p.Val293Phe).

NM_001365088.1(SLC12A6):c.877G>T (p.Val293Phe)

Gene: SLC12A6 (solute carrier family 12 member 6; minus strand). Cytogenetic location: 15q14.
Variant type: single nucleotide variant.
Coding change: c.877G>T on transcript NM_001365088.1 (MANE Select); coding-DNA position 877, G replaced by T.
Protein change: p.Val293Phe; replaces valine 293 with phenylalanine.
Molecular consequence: missense variant.
Genome position (GRCh38, 1-based): chr15:34,254,589, C>A on the plus strand (G>T on the coding strand, the complement: SLC12A6 is on the minus strand). VCF-style: chr15-34254589-C-A. GRCh37 (hg19) VCF-style: chr15-34546790-C-A.
Other names: c.700G>T, p.Val234Phe (NM_001042494.2, NM_001042495.2); c.850G>T, p.Val284Phe (NM_001042496.2); c.832G>T, p.Val278Phe (NM_001042497.2); c.724G>T, p.Val242Phe (NM_005135.2); c.877G>T, p.Val293Phe (NM_133647.2); short protein forms V242F, V278F, V293F, V284F, V234F.
Identifiers: ClinVar variation 1506723 (VCV001506723.9), dbSNP rs1466259736, ClinGen allele CA391609892.